The following is an entry in ClinVar:

NM_001127208.3(TET2):c.1018A>G (p.Ile340Val)

Genes: TET2 (tet methylcytosine dioxygenase 2; plus strand), TET2-AS1 (TET2 antisense RNA 1; minus strand). Cytogenetic location: 4q24.
Variant type: single nucleotide variant.
Coding change: c.1018A>G on transcript NM_001127208.3 (MANE Select); coding-DNA position 1018, A replaced by G.
Protein change: p.Ile340Val; replaces isoleucine 340 with valine.
Molecular consequence: missense variant.
Genome position (GRCh38, 1-based): chr4:105,234,960, A>G. VCF-style: chr4-105234960-A-G. GRCh37 (hg19) VCF-style: chr4-106156117-A-G.
Other names: c.1018A>G, p.Ile340Val (NM_017628.4); short protein forms I340V.
Identifiers: ClinVar variation 3806090 (VCV003806090.1).

ClinVar aggregate classification (germline): Uncertain significance (1 of 4 stars; one submission).

Submission:

Ambry Genetics
Classification: Uncertain significance. Last evaluated: 2025-02-26. Review status: criteria provided, single submitter. Criteria: Ambry Variant Classification Scheme 2023. Collection method: clinical testing. Allele origin: germline.
Comment: The p.I340V variant (also known as c.1018A>G), located in coding exon 1 of the TET2 gene, results from an A to G substitution at nucleotide position 1018. The isoleucine at codon 340 is replaced by valine, an amino acid with highly similar properties. This amino acid position is conserved. In addition, this alteration is predicted to be tolerated by in silico analysis. Based on the available evidence, the clinical significance of this variant remains unclear.